The following is an entry in ClinVar:

ClinVar aggregate classification (germline): Pathogenic (1 of 4 stars; one submission).

Submission:

Labcorp Genetics (formerly Invitae), Labcorp
Classification: Pathogenic. Last evaluated: 2025-07-09. Review status: criteria provided, single submitter. Criteria: Invitae Variant Classification Sherloc (09022015). Collection method: clinical testing. Allele origin: germline.
Comment: This sequence change creates a premature translational stop signal (p.Trp542*) in the TPP1 gene. While this is not anticipated to result in nonsense mediated decay, it is expected to disrupt the last 22 amino acid(s) of the TPP1 protein. This variant is not present in population databases (gnomAD no frequency). This premature translational stop signal has been observed in individual(s) with Batten disease (internal data). In at least one individual the data is consistent with being in trans (on the opposite chromosome) from a pathogenic variant. ClinVar contains an entry for this variant (Variation ID: 3697385). For these reasons, this variant has been classified as Pathogenic.

NM_000391.4(TPP1):c.1625G>A (p.Trp542Ter)

Gene: TPP1 (tripeptidyl peptidase 1; minus strand). Cytogenetic location: 11p15.4.
Variant type: single nucleotide variant.
Coding change: c.1625G>A on transcript NM_000391.4 (MANE Select); coding-DNA position 1625, G replaced by A.
Protein change: p.Trp542Ter; replaces tryptophan 542 with a stop codon.
Molecular consequence: nonsense.
Genome position (GRCh38, 1-based): chr11:6,614,613, C>T on the plus strand (G>A on the coding strand, the complement: TPP1 is on the minus strand). VCF-style: chr11-6614613-C-T. GRCh37 (hg19) VCF-style: chr11-6635844-C-T.
Other names: short protein forms W542*.
Identifiers: ClinVar variation 3697385 (VCV003697385.2).